The following is an entry in ClinVar:

NM_000391.4(TPP1):c.617G>A (p.Arg206His)

Gene: TPP1 (tripeptidyl peptidase 1; minus strand). Cytogenetic location: 11p15.4.
Variant type: single nucleotide variant.
Coding change: c.617G>A on transcript NM_000391.4 (MANE Select); coding-DNA position 617, G replaced by A.
Protein change: p.Arg206His; replaces arginine 206 with histidine.
Molecular consequence: missense variant.
Genome position (GRCh38, 1-based): chr11:6,617,045, C>T on the plus strand (G>A on the coding strand, the complement: TPP1 is on the minus strand). VCF-style: chr11-6617045-C-T. GRCh37 (hg19) VCF-style: chr11-6638276-C-T.
Other names: short protein forms R206H.
Identifiers: ClinVar variation 68748 (VCV000068748.58), dbSNP rs121908209, ClinGen allele CA266190.

ClinVar aggregate classification (germline): Pathogenic/Likely pathogenic. Review status: criteria provided, multiple submitters, no conflicts (2 of 4 stars). 9 submissions from 9 submitters: Pathogenic (3); Likely pathogenic (3). 3 of the submissions do not count toward it. Last evaluated 2026-04-09.

Conditions:
Inborn genetic diseases. Identifiers: MedGen C0950123, MeSH D030342.
Neuronal ceroid lipofuscinosis. Also called: Neuronal Ceroid Lipofuscinoses. Identifiers: Orphanet 216, Orphanet 79263, MedGen C0027877, MONDO:0016295. Disease mechanism: loss of function.
Neuronal ceroid lipofuscinosis 2. Also called: JANSKY-BIELSCHOWSKY DISEASE NEURONAL CEROID LIPOFUSCINOSIS, LATE INFANTILE; TPP1-Related Neuronal Ceroid-Lipofuscinosis. Identifiers: Orphanet 168491, Orphanet 228349, Orphanet 79264, MedGen C1876161, MONDO:0008769, OMIM 204500.

Allele frequency attached by ClinVar (database versions not stated): ExAC 0.00001; gnomAD 0.00001.

Submissions (9):

Women's Health and Genetics/Laboratory Corporation of America, LabCorp
Classification: Pathogenic for Neuronal ceroid lipofuscinosis 2. Last evaluated: 2026-04-09. Review status: criteria provided, single submitter. Criteria: LabCorp Variant Classification Summary - May 2015. Collection method: clinical testing. Allele origin: germline.
Comment: Variant summary: TPP1 c.617G>A (p.Arg206His) results in a non-conservative amino acid change in the encoded protein sequence. Algorithms developed to predict the effect of missense changes on protein structure and function all suggest that this variant is likely to be disruptive. The variant allele was found at a frequency of 4e-06 in 251206 control chromosomes. c.617G>A has been observed in homozygous and compound heterozygous states in individuals affected with Neuronal ceroid lipofuscinosis 2 (Bukina_2002, Dulz_2023, internal data). These data indicate that the variant is likely to be associated with disease. To our knowledge, no experimental evidence demonstrating an impact on protein function has been reported. A different variant affecting the same codon has been classified as likely pathogenic/pathogenic (c.616C>T, p.Arg206Cys) by our lab, supporting the critical relevance of codon 206 to TPP1 protein function. The following publications have been ascertained in the context of this evaluation (PMID: 12698559, 35772852). ClinVar contains an entry for this variant (Variation ID: 68748). Based on the evidence outlined above, the variant was classified as pathogenic.

Natera, Inc.
Classification: Likely pathogenic for Neuronal ceroid lipofuscinosis 2. Last evaluated: 2025-09-01. Review status: criteria provided, single submitter. Criteria: Natera Variant Classification Schema (03/2026). Collection method: clinical testing. Allele origin: germline.
Comment: The c.617G>A variant in TPP1 is a missense variant predicted to cause substitution of arginine to histidine at amino acid 206. This variant is rare in the general population with a frequency below the threshold expected for the associated phenotype(s). This variant has been observed in one or more individuals affected with the associated recessive disease, as either homozygous or compound heterozygous with a second variant (PMID: 35772852, 12698559). A different variant at the same position has been determined to be Pathogenic or Likely Pathogenic. Computational prediction algorithms indicate this variant is likely to affect gene or protein function. Given the available evidence, this variant is classified as Likely Pathogenic.

Labcorp Genetics (formerly Invitae), Labcorp
Classification: Pathogenic. Last evaluated: 2024-11-06. Review status: criteria provided, single submitter. Criteria: Invitae Variant Classification Sherloc (09022015). Collection method: clinical testing. Allele origin: germline.
Comment: This sequence change replaces arginine, which is basic and polar, with histidine, which is basic and polar, at codon 206 of the TPP1 protein (p.Arg206His). This variant is present in population databases (rs121908209, gnomAD 0.0009%). This missense change has been observed in individual(s) with TPP1-related conditions (PMID: 12698559; internal data). In at least one individual the data is consistent with being in trans (on the opposite chromosome) from a pathogenic variant. ClinVar contains an entry for this variant (Variation ID: 68748). Invitae Evidence Modeling of protein sequence and biophysical properties (such as structural, functional, and spatial information, amino acid conservation, physicochemical variation, residue mobility, and thermodynamic stability) indicates that this missense variant is expected to disrupt TPP1 protein function with a positive predictive value of 95%. This variant disrupts the p.Arg206 amino acid residue in TPP1. Other variant(s) that disrupt this residue have been determined to be pathogenic (PMID: 10665500, 20340139, 30541466). This suggests that this residue is clinically significant, and that variants that disrupt this residue are likely to be disease-causing. For these reasons, this variant has been classified as Pathogenic.

3billion
Classification: Pathogenic for Neuronal ceroid lipofuscinosis 2. Last evaluated: 2024-02-13. Review status: criteria provided, single submitter. Criteria: ACMG Guidelines, 2015. Collection method: clinical testing. Allele origin: germline. Affected: yes.
Comment: The variant is observed at an extremely low frequency in the gnomAD v2.1.1 dataset (total allele frequency: <0.001%). Predicted Consequence/Location: Missense variant In silico tool predictions suggest damaging effect of the variant on gene or gene product [REVEL: 0.87 (>=0.6, sensitivity 0.68 and specificity 0.92)]. Same nucleotide change resulting in same amino acid change has been previously reported as pathogenic/likely pathogenic with strong evidence (ClinVar ID: VCV000068748 /PMID: 12698559 /3billion dataset). Different missense changes at the same codon (p.Arg206Cys, p.Arg206Pro) have been reported as pathogenic/likely pathogenic with strong evidence (ClinVar ID: VCV000002646, VCV001068193 /PMID: 10477428, 35614200). Therefore, this variant is classified as Pathogenic according to the recommendation of ACMG/AMP guideline.

Revvity Omics, Revvity
Classification: Likely pathogenic. Last evaluated: 2021-07-29. Review status: criteria provided, single submitter. Criteria: ACMG Guidelines, 2015. Collection method: clinical testing. Allele origin: germline.

CeGaT Center for Human Genetics Tuebingen
Classification: Likely pathogenic. Last evaluated: 2020-04-01. Review status: criteria provided, single submitter. Criteria: CeGaT Center For Human Genetics Tuebingen Variant Classification Criteria Version 2. Collection method: clinical testing. Allele origin: germline. Affected: yes. Observed: 1 variant allele.

Clinical Molecular Genetics Laboratory, Johns Hopkins All Children's Hospital
Classification: Pathogenic for Neuronal ceroid lipofuscinosis. Last evaluated: 2012-08-29. Review status: no assertion criteria provided. Collection method: clinical testing. Allele origin: germline. Affected: yes. Not counted in ClinVar's aggregate classification.

UniProtKB/Swiss-Prot
No classification provided. Condition: Ceroid lipofuscinosis, neuronal, 2. Review status: no classification provided. Collection method: not provided. Allele origin: not provided. Not counted in ClinVar's aggregate classification.

Ambry Genetics
Classification: Uncertain significance for Inborn genetic diseases. Last evaluated: 2018-02-28. Review status: flagged submission. Criteria: Ambry Variant Classification Scheme 2023. Collection method: clinical testing. Allele origin: germline. Not counted in ClinVar's aggregate classification.
Comment: The p.R206H variant (also known as c.617G>A), located in coding exon 6 of the TPP1 gene, results from a G to A substitution at nucleotide position 617. The arginine at codon 206 is replaced by histidine, an amino acid with highly similar properties. This amino acid position is highly conserved in available vertebrate species. This alteration has been reported in an individual with late infantile neuronal ceroid lipofuscinosis (CLN2); however, clinical details were limited (Kousi M. Hum. Mutat.. 2012 Jan;33(1):42-63). In addition, this alteration is predicted to be deleterious by in silico analysis. Since supporting evidence is limited at this time, the clinical significance of this alteration remains unclear.
ClinVar note: Reason: Older claim that does not account for recent evidence

Literature cited by the submitters: PubMed 12698559 (cited by 4 submitters); PubMed 35772852 (cited by Women's Health and Genetics/Laboratory Corporation of America, LabCorp and Natera, Inc.); PubMed 10665500 (cited by Labcorp Genetics (formerly Invitae), Labcorp); PubMed 20340139 (cited by Labcorp Genetics (formerly Invitae), Labcorp); PubMed 30541466 (cited by Labcorp Genetics (formerly Invitae), Labcorp); PubMed 10477428 (cited by 3billion); PubMed 21990111 (cited by Ambry Genetics).